The following is an entry in ClinVar:

ClinVar aggregate classification (germline): Conflicting classifications of pathogenicity. Review status: criteria provided, conflicting classifications (1 of 4 stars). 8 submissions from 8 submitters: Uncertain significance (6); Benign (1). 1 of the submissions does not count toward it. Last evaluated 2026-05-01.

Conditions:
Muscular dystrophy, limb-girdle, autosomal recessive 23. Identifiers: Orphanet 565837, MedGen C4748327, MONDO:0029136, OMIM 618138.
Merosin deficient congenital muscular dystrophy (MDC1A). Also called: Congenital merosin-deficient muscular dystrophy 1A; Congenital Muscular Dystrophy Type 1A (MDC1A). Identifiers: Orphanet 258, MedGen C1263858, MONDO:0011925, OMIM 607855.
LAMA2-related muscular dystrophy (LAMA2-RD). Also called: Laminin alpha 2-related dystrophy. Identifiers: MedGen C5679788, MONDO:0100228.

Allele frequency attached by ClinVar (database versions not stated): 1000 Genomes Project 30x 0.00031; 1000 Genomes Project 0.00040; ExAC 0.00006; gnomAD exomes 0.00006 and 0.00008; TOPMed 0.00009; gnomAD 0.00012 and 0.00014; ESP Exome Variant Server 0.00015.
gnomAD v4.1: 123 of 1,613,668 alleles (0.0076%); highest among the groups gnomAD compares: South Asian, 0.036%; no homozygotes.

Submissions (8):

CeGaT Center for Human Genetics Tuebingen
Classification: Uncertain significance. Last evaluated: 2026-05-01. Review status: criteria provided, single submitter. Criteria: CeGaT Center For Human Genetics Tuebingen Variant Classification Criteria Version 2. Collection method: clinical testing. Allele origin: germline. Affected: yes. Observed: 1 variant allele.
Comment: LAMA2: PM2:Supporting

Labcorp Genetics (formerly Invitae), Labcorp
Classification: Benign for LAMA2-related muscular dystrophy. Last evaluated: 2026-01-23. Review status: criteria provided, single submitter. Criteria: Invitae Variant Classification Sherloc (09022015). Collection method: clinical testing. Allele origin: germline.

Neuberg Centre For Genomic Medicine, NCGM
Classification: Uncertain significance for Muscular dystrophy, limb-girdle, autosomal recessive 23. Last evaluated: 2023-05-20. Review status: criteria provided, single submitter. Criteria: ACMG Guidelines, 2015. Collection method: clinical testing. Allele origin: germline. Inheritance: Autosomal recessive inheritance. Affected: yes.
Comment: The observed missense c.6322C>T(p.Arg2108Trp) variant in LAMA2 gene has not been reported previously in affected individuals in literature, to our knowledge. The p.Arg2108Trp variant has been reported with allele frequency of 0.008% in gnomAD Exomes. This variant has been submitted to the ClinVar database as Benign / Uncertain Significance (multiple submissions). Computational evidences (Polyphen - Probably damaging, SIFT - Tolerated and MutationTaster - Disease causing) predict conflicting evidence on protein structure and function for this variant. The amino acid change p.Arg2108Trp in LAMA2 is predicted as conserved by GERP++ and PhyloP across 100 vertebrates. The amino acid Arg at position 2108 is changed to a Trp changing protein sequence and it might alter its composition and physico-chemical properties. For these reasons, this variant has been classified as a Variant of Uncertain Significance (VUS).

Revvity Omics, Revvity
Classification: Uncertain significance. Last evaluated: 2023-05-17. Review status: criteria provided, single submitter. Criteria: ACMG Guidelines, 2015. Collection method: clinical testing. Allele origin: germline.

Fulgent Genetics
Classification: Uncertain significance for Merosin deficient congenital muscular dystrophy; Muscular dystrophy, limb-girdle, autosomal recessive 23. Last evaluated: 2021-07-21. Review status: criteria provided, single submitter. Criteria: ACMG Guidelines, 2015. Collection method: clinical testing. Allele origin: unknown.

Mayo Clinic Laboratories, Mayo Clinic
Classification: Uncertain significance. Last evaluated: 2020-09-29. Review status: criteria provided, single submitter. Criteria: ACMG Guidelines, 2015. Collection method: clinical testing. Allele origin: germline. Observed: 1 variant allele.

Eurofins Ntd Llc (ga)
Classification: Uncertain significance. Last evaluated: 2015-05-21. Review status: criteria provided, single submitter. Criteria: EGL Classification Definitions 2015. Collection method: clinical testing. Allele origin: germline. Observed: 2 variant alleles, 2 heterozygotes.

Counsyl
Classification: Uncertain significance for Merosin deficient congenital muscular dystrophy. Last evaluated: 2017-01-20. Review status: no assertion criteria provided. Collection method: clinical testing. Allele origin: unknown. Not counted in ClinVar's aggregate classification.

NM_000426.4(LAMA2):c.6322C>T (p.Arg2108Trp)

Gene: LAMA2 (laminin subunit alpha 2; plus strand). Cytogenetic location: 6q22.33.
Variant type: single nucleotide variant.
Coding change: c.6322C>T on transcript NM_000426.4 (MANE Select); coding-DNA position 6322, C replaced by T.
Protein change: p.Arg2108Trp; replaces arginine 2108 with tryptophan.
Molecular consequence: missense variant.
Genome position (GRCh38, 1-based): chr6:129,445,714, C>T. VCF-style: chr6-129445714-C-T. GRCh37 (hg19) VCF-style: chr6-129766859-C-T.
Other names: c.6322C>T, p.Arg2108Trp (NM_001079823.2); short protein forms R2108W.
Identifiers: ClinVar variation 92976 (VCV000092976.20), dbSNP rs139824017, ClinGen allele CA220780.